The following is an entry in ClinVar:

ClinVar aggregate classification (germline): Likely benign. Review status: criteria provided, multiple submitters, no conflicts (2 of 4 stars). 4 submissions from 4 submitters: Likely benign (4). Last evaluated 2025-02-01.

Conditions:
Developmental and epileptic encephalopathy, 42 (DEE42A). Also called: Epileptic encephalopathy, early infantile, 42; DEVELOPMENTAL AND EPILEPTIC ENCEPHALOPATHY 42A; EPILEPTIC ENCEPHALOPATHY, EARLY INFANTILE, 42A. Identifiers: MedGen C4310716, MONDO:0014917, OMIM 617106.
Episodic ataxia type 2 (EA2). Also called: ATAXIA, EPISODIC, WITH NYSTAGMUS; ATAXIA, FAMILIAL PAROXYSMAL; CEREBELLAR ATAXIA, PAROXYSMAL, ACETAZOLAMIDE-RESPONSIVE; CEREBELLOPATHY, HEREDITARY PAROXYSMAL; EPISODIC ATAXIA, NYSTAGMUS-ASSOCIATED; ACETAZOLAMIDE-RESPONSIVE HEREDITARY PAROXYSMAL CEREBELLAR ATAXIA. Identifiers: Orphanet 97, MedGen C1720416, MONDO:0007163, OMIM 108500.
Inborn genetic diseases. Identifiers: MedGen C0950123, MeSH D030342.

Allele frequency attached by ClinVar (database versions not stated): gnomAD exomes 0.00001 and 0.00002; gnomAD 0.00002 and 0.00003; TOPMed 0.00003; ExAC 0.00004; 1000 Genomes Project 30x 0.00016; 1000 Genomes Project 0.00020.
gnomAD v4.1: 16 of 1,506,828 alleles (0.0011%); highest among the groups gnomAD compares: African/African-American, 0.0056%; 1 homozygote.

Submissions (4):

CeGaT Center for Human Genetics Tuebingen
Classification: Likely benign. Last evaluated: 2025-02-01. Review status: criteria provided, single submitter. Criteria: CeGaT Center For Human Genetics Tuebingen Variant Classification Criteria Version 2. Collection method: clinical testing. Allele origin: germline. Affected: yes. Observed: 1 variant allele.
Comment: CACNA1A: BP4, BP7

Labcorp Genetics (formerly Invitae), Labcorp
Classification: Likely benign for Developmental and epileptic encephalopathy, 42; Episodic ataxia type 2. Last evaluated: 2024-10-22. Review status: criteria provided, single submitter. Criteria: Invitae Variant Classification Sherloc (09022015). Collection method: clinical testing. Allele origin: germline.

Blueprint Genetics
Classification: Likely benign. Last evaluated: 2024-07-11. Review status: criteria provided, single submitter. Criteria: ACMG Guidelines, 2015. Collection method: clinical testing. Allele origin: germline.

Ambry Genetics
Classification: Likely benign for Inborn genetic diseases. Last evaluated: 2019-10-23. Review status: criteria provided, single submitter. Criteria: Ambry Variant Classification Scheme 2023. Collection method: clinical testing. Allele origin: germline.

NM_001127222.2(CACNA1A):c.5979G>A (p.Pro1993=)

Gene: CACNA1A (calcium voltage-gated channel subunit alpha1 A; minus strand). Cytogenetic location: 19p13.13.
Variant type: single nucleotide variant.
Coding change: c.5979G>A on transcript NM_001127222.2 (MANE Select); coding-DNA position 5979, G replaced by A.
Protein change: p.Pro1993=; no amino-acid change (proline 1993 retained).
Molecular consequence: synonymous variant.
Genome position (GRCh38, 1-based): chr19:13,212,702, C>T on the plus strand (G>A on the coding strand, the complement: CACNA1A is on the minus strand). VCF-style: chr19-13212702-C-T. GRCh37 (hg19) VCF-style: chr19-13323516-C-T.
Other names: c.5997G>A, p.Pro1999= (NM_000068.4, NM_023035.3); c.5982G>A, p.Pro1994= (NM_001127221.2); c.5988G>A, p.Pro1996= (NM_001174080.2).
Identifiers: ClinVar variation 1131804 (VCV001131804.25), dbSNP rs540390772, ClinGen allele CA9239516.
Genomic context (GRCh38, chr19:13,212,702, plus strand): 5'-TGGGTCCAGCTGGGTGGAGGGGAGGGCGTTCTGGCCAGGTCCCCCTTCCTGCGTTGGGGA[C>T]GGGGGCTCCATGCGCTGGAACATGAGGGGTGTCCGGTCCTGGGGAATGGGGCAGAGAGCA-3'
Protein context (NP_001120694.1, residues 1983-2003): TPLMFQRMEP[Pro1993=]SPTQEGGPGQ